The following is an entry in ClinVar:

ClinVar aggregate classification (germline): Uncertain significance. Review status: criteria provided, multiple submitters, no conflicts (2 of 4 stars). 2 submissions from 2 submitters: Uncertain significance (2). Last evaluated 2025-08-26.

Conditions:
Inborn genetic diseases. Identifiers: MedGen C0950123, MeSH D030342.
Hemochromatosis type 4 (HFE4). Also called: Ferroportin disease; HEMOCHROMATOSIS DUE TO DEFECT IN FERROPORTIN; HEMOCHROMATOSIS, AUTOSOMAL DOMINANT. Identifiers: Orphanet 139491, Orphanet 647834, Orphanet 648562, MedGen C1853733, MONDO:0011631, OMIM 606069.

Allele frequency attached by ClinVar (database versions not stated): gnomAD 0.00001.
gnomAD v4.1: 23 of 1,608,724 alleles (0.0014%); highest among the groups gnomAD compares: African/African-American, 0.0027%; no homozygotes.

Submissions (2):

Ambry Genetics
Classification: Uncertain significance for Inborn genetic diseases. Last evaluated: 2025-08-26. Review status: criteria provided, single submitter. Criteria: Ambry Variant Classification Scheme 2023. Collection method: clinical testing. Allele origin: germline.

Labcorp Genetics (formerly Invitae), Labcorp
Classification: Uncertain significance for Hemochromatosis type 4. Last evaluated: 2024-07-19. Review status: criteria provided, single submitter. Criteria: Invitae Variant Classification Sherloc (09022015). Collection method: clinical testing. Allele origin: germline.
Comment: This sequence change replaces histidine, which is basic and polar, with asparagine, which is neutral and polar, at codon 125 of the SLC40A1 protein (p.His125Asn). This variant is present in population databases (rs568086191, gnomAD 0.008%). This variant has not been reported in the literature in individuals affected with SLC40A1-related conditions. ClinVar contains an entry for this variant (Variation ID: 941614). Advanced modeling of protein sequence and biophysical properties (such as structural, functional, and spatial information, amino acid conservation, physicochemical variation, residue mobility, and thermodynamic stability) performed at Invitae indicates that this missense variant is not expected to disrupt SLC40A1 protein function with a negative predictive value of 80%. In summary, the available evidence is currently insufficient to determine the role of this variant in disease. Therefore, it has been classified as a Variant of Uncertain Significance.

NM_014585.6(SLC40A1):c.373C>A (p.His125Asn)

Gene: SLC40A1 (solute carrier family 40 member 1; minus strand). Cytogenetic location: 2q32.2.
Variant type: single nucleotide variant.
Coding change: c.373C>A on transcript NM_014585.6 (MANE Select); coding-DNA position 373, C replaced by A.
Protein change: p.His125Asn; replaces histidine 125 with asparagine.
Molecular consequence: missense variant.
Genome position (GRCh38, 1-based): chr2:189,572,860, G>T on the plus strand (C>A on the coding strand, the complement: SLC40A1 is on the minus strand). VCF-style: chr2-189572860-G-T. GRCh37 (hg19) VCF-style: chr2-190437586-G-T.
Other names: short protein forms H125N.
Identifiers: ClinVar variation 941614 (VCV000941614.9), dbSNP rs568086191, ClinGen allele CA62903804.